The following is an entry in ClinVar:

NM_001042492.3(NF1):c.2409+5G>A

Gene: NF1 (neurofibromin 1; plus strand). Cytogenetic location: 17q11.2.
Variant type: single nucleotide variant.
Coding change: c.2409+5G>A on transcript NM_001042492.3 (MANE Select); 5 bases into the intron after coding-DNA position 2409, G replaced by A.
Molecular consequence: intron variant.
Genome position (GRCh38, 1-based): chr17:31,227,611, G>A. VCF-style: chr17-31227611-G-A. GRCh37 (hg19) VCF-style: chr17-29554629-G-A.
Other names: c.2409+5G>A (NM_000267.4).
Identifiers: ClinVar variation 457583 (VCV000457583.15), dbSNP rs763688567, ClinGen allele CA625470332.

ClinVar aggregate classification (germline): Conflicting classifications of pathogenicity. Review status: criteria provided, conflicting classifications (1 of 4 stars). 4 submissions from 4 submitters: Uncertain significance (2); Likely benign (2). Last evaluated 2025-09-06.

Conditions:
Neurofibromatosis, type 1 (NF1). Also called: VON RECKLINGHAUSEN DISEASE; NEUROFIBROMATOSIS, TYPE I, SOMATIC; Peripheral type neurofibromatosis; Neurofibromatosis, type I. Identifiers: Orphanet 636, MedGen C0027831, MONDO:0018975, OMIM 162200. Disease mechanism: loss of function.
Cardiovascular phenotype. Identifiers: MedGen CN230736.
Hereditary cancer-predisposing syndrome. Also called: Hereditary Cancer Syndrome; Hereditary neoplastic syndrome; Tumor predisposition; Neoplastic Syndromes, Hereditary. Identifiers: Orphanet 140162, MedGen C0027672, MeSH D009386, MONDO:0015356.

Allele frequency attached by ClinVar (database versions not stated): gnomAD 0.00001; TOPMed 0.00001.
gnomAD v4.1: 1 of 1,613,054 alleles (0.000062%); highest among the groups gnomAD compares: Non-Finnish European, 0.000085%; no homozygotes.

Submissions (4):

Labcorp Genetics (formerly Invitae), Labcorp
Classification: Likely benign for Neurofibromatosis, type 1. Last evaluated: 2025-09-06. Review status: criteria provided, single submitter. Criteria: Invitae Variant Classification Sherloc (09022015). Collection method: clinical testing. Allele origin: germline.

Mayo Clinic Laboratories, Mayo Clinic
Classification: Uncertain significance. Last evaluated: 2024-07-15. Review status: criteria provided, single submitter. Criteria: ACMG Guidelines, 2015. Collection method: clinical testing. Allele origin: germline. Observed: 1 variant allele.
Comment: BP4, PM2

Genome-Nilou Lab
Classification: Uncertain significance for Neurofibromatosis, type 1. Last evaluated: 2022-03-15. Review status: criteria provided, single submitter. Criteria: ACMG Guidelines, 2015. Collection method: clinical testing. Allele origin: germline. Affected: no.

Ambry Genetics
Classification: Likely benign for Cardiovascular phenotype; Hereditary cancer-predisposing syndrome. Last evaluated: 2021-06-24. Review status: criteria provided, single submitter. Criteria: Ambry Variant Classification Scheme 2023. Collection method: clinical testing. Allele origin: germline.